The following is an entry in ClinVar:

ClinVar aggregate classification (germline): Uncertain significance. Review status: criteria provided, multiple submitters, no conflicts (2 of 4 stars). 2 submissions from 2 submitters: Uncertain significance (2). Last evaluated 2024-08-30.

gnomAD v4.1: 1 of 1,614,122 alleles (0.000062%); highest among the groups gnomAD compares: South Asian, 0.0011%; no homozygotes.

Submissions (2):

Women's Health and Genetics/Laboratory Corporation of America, LabCorp
Classification: Uncertain significance. Last evaluated: 2024-08-30. Review status: criteria provided, single submitter. Criteria: LabCorp Variant Classification Summary - May 2015. Collection method: clinical testing. Allele origin: germline.
Comment: Variant summary: TPO c.2394C>G (p.Asn798Lys) results in a non-conservative amino acid change located in the EGF-like domain of the encoded protein sequence. Four of five in-silico tools predict a damaging effect of the variant on protein function. The variant was absent in 251322 control chromosomes. c.2394C>G has been reported in the literature in one compound heterozyous individual affected with congenital hypothyroidism (Wang_2021). This report does not provide unequivocal conclusions about association of the variant with Deficiency Of Iodide Peroxidase. At least one publication reports experimental evidence evaluating an impact on protein function, which showed the variant resulted in remarkably reduced the peroxidase activity toward guaiacol oxidation (Wang_2021). The following publication has been ascertained in the context of this evaluation (PMID: 35002963). No submitters have cited clinical-significance assessments for this variant to ClinVar. Based on the evidence outlined above, the variant was classified as VUS-possibly pathogenic.

Blueprint Genetics
Classification: Uncertain significance. Last evaluated: 2022-06-10. Review status: criteria provided, single submitter. Criteria: ACMG Guidelines, 2015. Collection method: clinical testing. Allele origin: germline.

Literature cited by the submitters: PubMed 35002963 (cited by Women's Health and Genetics/Laboratory Corporation of America, LabCorp).

NM_001206744.2(TPO):c.2394C>G (p.Asn798Lys)

Genes: LALTOP (lung cancer associated lncRNA targeting TOP2A; minus strand), TPO (thyroid peroxidase; plus strand). Cytogenetic location: 2p25.3.
Variant type: single nucleotide variant.
Coding change: c.2394C>G on transcript NM_001206744.2 (MANE Select); coding-DNA position 2394, C replaced by G.
Protein change: p.Asn798Lys; replaces asparagine 798 with lysine.
Molecular consequence: missense variant. On other transcripts: intron variant (1).
Genome position (GRCh38, 1-based): chr2:1,503,955, C>G. VCF-style: chr2-1503955-C-G. GRCh37 (hg19) VCF-style: chr2-1507727-C-G.
Other names: c.2394C>G, p.Asn798Lys (NM_000547.6); c.2223C>G, p.Asn741Lys (NM_001206745.2, NM_175719.4); c.1875C>G, p.Asn625Lys (NM_175722.3); c.2386+7190C>G (NM_175721.3); short protein forms N625K, N741K, N798K.
Identifiers: ClinVar variation 3366710 (VCV003366710.2).
Genomic context (GRCh38, chr2:1,503,955, plus strand): 5'-AGATGGGGGTGCAGCCGCTTCCTCTCACGTGTGTGGCCTTGTGTGTCTGGCAGATGTGAA[C>G]GAGTGTGCAGACGGTGCCCACCCCCCCTGCCACGCCTCTGCGAGGTGCAGAAACACCAAA-3'
Protein context (NP_001193673.1, residues 788-808): DFQPPLCKDV[Asn798Lys]ECADGAHPPC